The following is an entry in ClinVar:

NM_000051.4(ATM):c.1708T>A (p.Phe570Ile)

Gene: ATM (ATM serine/threonine kinase; plus strand). Cytogenetic location: 11q22.3.
Variant type: single nucleotide variant.
Coding change: c.1708T>A on transcript NM_000051.4 (MANE Select); coding-DNA position 1708, T replaced by A.
Protein change: p.Phe570Ile; replaces phenylalanine 570 with isoleucine.
Molecular consequence: missense variant.
Genome position (GRCh38, 1-based): chr11:108,251,937, T>A. VCF-style: chr11-108251937-T-A. GRCh37 (hg19) VCF-style: chr11-108122664-T-A.
Other names: c.1708T>A, p.Phe570Ile (NM_001351834.2); short protein forms F570I.
Identifiers: ClinVar variation 2774151 (VCV002774151.3), dbSNP rs2135341878, ClinGen allele CA382535252.

ClinVar aggregate classification (germline): Uncertain significance. Review status: criteria provided, multiple submitters, no conflicts (2 of 4 stars). 2 submissions from 2 submitters: Uncertain significance (2). Last evaluated 2025-05-01.

Conditions:
Hereditary cancer-predisposing syndrome. Also called: Hereditary neoplastic syndrome; Hereditary Cancer Syndrome; Neoplastic Syndromes, Hereditary; Tumor predisposition. Identifiers: Orphanet 140162, MedGen C0027672, MeSH D009386, MONDO:0015356.

Submissions (2):

Ambry Genetics
Classification: Uncertain significance for Hereditary cancer-predisposing syndrome. Last evaluated: 2025-05-01. Review status: criteria provided, single submitter. Criteria: Ambry Variant Classification Scheme 2023. Collection method: clinical testing. Allele origin: germline.
Comment: The p.F570I variant (also known as c.1708T>A), located in coding exon 10 of the ATM gene, results from a T to A substitution at nucleotide position 1708. The phenylalanine at codon 570 is replaced by isoleucine, an amino acid with highly similar properties. This amino acid position is conserved. In addition, this alteration is predicted to be tolerated by in silico analysis. Based on the available evidence, the clinical significance of this variant remains unclear.

Color Diagnostics, LLC DBA Color Health
Classification: Uncertain significance for Hereditary cancer-predisposing syndrome. Last evaluated: 2024-03-06. Review status: criteria provided, single submitter. Criteria: ACMG Guidelines, 2015. Collection method: clinical testing. Allele origin: germline.
Comment: This missense variant replaces phenylalanine with isoleucine at codon 570 of the ATM protein. Computational prediction suggests that this variant may not impact protein structure and function (internally defined REVEL score threshold <= 0.5, PMID: 27666373). To our knowledge, functional studies have not been reported for this variant. This variant has not been reported in individuals affected with hereditary cancer in the literature. This variant has not been identified in the general population by the Genome Aggregation Database (gnomAD). The available evidence is insufficient to determine the role of this variant in disease conclusively. Therefore, this variant is classified as a Variant of Uncertain Significance.